The following is an entry in ClinVar:

ClinVar aggregate classification (germline): Uncertain significance (0 of 4 stars; one submission).

Conditions:
Congenital lipoid adrenal hyperplasia due to STAR deficency. Also called: Cholesterol monooxygenase (side-chain cleaving) deficiency; Congenital Lipoid Adrenal Hyperplasia; Lipoid adrenal hyperplasia; ADRENAL HYPERPLASIA I. Identifiers: Orphanet 418, Orphanet 90790, MedGen C0342474, MONDO:0008725, OMIM 201710.

Submission:

Institute Of Endocrinology, Diabetes, Thyroid & Osteoporosis Disorders, Sakra World Hospital, Unit Of Thakshasila Hospital Operating Private Limited
Classification: Uncertain significance for Congenital lipoid adrenal hyperplasia due to STAR deficency. Last evaluated: 2023-08-22. Review status: no assertion criteria provided. Criteria: ACMG Guidelines, 2015. Collection method: clinical testing. Allele origin: biparental. Inheritance: Autosomal recessive inheritance. Affected: yes. Observed: 1 homozygote.
Comment: Lipoid congenital adrenal hyperplasia (LCAH) is an autosomal recessive disorder and is the most severe form of congenital adrenal hyperplasia(CAH). It is due to a mutation in steroidogenic acute regulatory protein(StAR). Human StAR is located on chromosome 8p11.2 and consists of 5-7 exons that translate into a protein of 285 amino acid lengths. Currently, 83 different mutations have been reported in 130 patients. The amino acid sequence from 67 to 280 of the StAR protein is highly conserved. The most common variant is the complete loss of function StAT-Gln258* with founder effect seen in East Asia. (Kang E et al 2017). Affected children are present with adrenal insufficiency. Children with 46 XY chromosomes are reared as females because of the absence of virilization and may show testis in the abdomen or be undescended in the classical LCAH (CLCAH). Imaging shows enlarged, lipid-rich adrenals. LCAH is classified into classic and non-classic forms. In CLACH, there is a) neonatal primary adrenal insufficiency(PAI), b) a pathogenic variant of StAR, c) lipoid-laden adrenals by computerized tomography(CT), d) lipid accumulation in Leydig cells by histological examination; and e) female or minimally masculinized genitalia, irrespective of chromosomal sex(1). Non-classical LCAH (NCLCAH) has one of the three criteria: a) completely masculinized male external genitalia with karyotype 46XY; b) preserved mineralocorticoid function; and c) late onset of PAI one year or older (Ishii T et al 2020). The variant at STAR gene Exon 7, c.814C>G (pArg272Gly) (homozygous) meets the criteria to be classified as pathogenic based on the clinical, hormonal, and molecular analysis data.

NM_000349.3(STAR):c.814C>G (p.Arg272Gly)

Gene: STAR (steroidogenic acute regulatory protein; minus strand). Cytogenetic location: 8p11.23.
Variant type: single nucleotide variant.
Coding change: c.814C>G on transcript NM_000349.3 (MANE Select); coding-DNA position 814, C replaced by G.
Protein change: p.Arg272Gly; replaces arginine 272 with glycine.
Molecular consequence: missense variant.
Genome position (GRCh38, 1-based): chr8:38,144,317, G>C on the plus strand (C>G on the coding strand, the complement: STAR is on the minus strand). VCF-style: chr8-38144317-G-C. GRCh37 (hg19) VCF-style: chr8-38001835-G-C.
Other names: STAR; short protein forms R272G.
Identifiers: ClinVar variation 2626753 (VCV002626753.3), dbSNP rs751759820, ClinGen allele CA370695688.